The following is an entry in ClinVar:

ClinVar aggregate classification (germline): Uncertain significance (1 of 4 stars; one submission).

Conditions:
Familial thoracic aortic aneurysm and aortic dissection (TAAD). Also called: Thoracic aortic aneurysms and dissections. Identifiers: Orphanet 91387, MedGen C4707243, MONDO:0019625.

gnomAD v4.1: 1 of 1,613,972 alleles (0.000062%); highest among the groups gnomAD compares: Non-Finnish European, 0.000085%; no homozygotes.

Submission:

Ambry Genetics
Classification: Uncertain significance for Familial thoracic aortic aneurysm and aortic dissection. Last evaluated: 2026-07-26. Review status: criteria provided, single submitter. Criteria: Ambry Variant Classification Scheme 2023. Collection method: clinical testing. Allele origin: germline.
Comment: The p.A791G variant (also known as c.2372C>G), located in coding exon 35 of the COL5A2 gene, results from a C to G substitution at nucleotide position 2372. The alanine at codon 791 is replaced by glycine, an amino acid with similar properties. This amino acid position is conserved. In addition, the in silico prediction for this alteration is inconclusive. Based on the available evidence, the clinical significance of this variant remains unclear.

NM_000393.5(COL5A2):c.2372C>G (p.Ala791Gly)

Gene: COL5A2 (collagen type V alpha 2 chain; minus strand). Cytogenetic location: 2q32.2.
Variant type: single nucleotide variant.
Coding change: c.2372C>G on transcript NM_000393.5 (MANE Select); coding-DNA position 2372, C replaced by G.
Protein change: p.Ala791Gly; replaces alanine 791 with glycine.
Molecular consequence: missense variant.
Genome position (GRCh38, 1-based): chr2:189,056,992, G>C on the plus strand (C>G on the coding strand, the complement: COL5A2 is on the minus strand). VCF-style: chr2-189056992-G-C. GRCh37 (hg19) VCF-style: chr2-189921718-G-C.
Other names: short protein forms A791G.
Identifiers: ClinVar variation 5034836 (VCV005034836.1).